The following is an entry in ClinVar:

NM_001256317.3(TMPRSS3):c.67G>A (p.Asp23Asn)

Gene: TMPRSS3 (transmembrane serine protease 3; minus strand). Cytogenetic location: 21q22.3.
Variant type: single nucleotide variant.
Coding change: c.67G>A on transcript NM_001256317.3 (MANE Select); coding-DNA position 67, G replaced by A.
Protein change: p.Asp23Asn; replaces aspartic acid 23 with asparagine.
Molecular consequence: missense variant.
Genome position (GRCh38, 1-based): chr21:42,395,351, C>T on the plus strand (G>A on the coding strand, the complement: TMPRSS3 is on the minus strand). VCF-style: chr21-42395351-C-T. GRCh37 (hg19) VCF-style: chr21-43815460-C-T.
Other names: c.67G>A, p.Asp23Asn (NM_024022.4, NM_032405.2); short protein forms D23N.
Identifiers: ClinVar variation 1505196 (VCV001505196.3), dbSNP rs770072040, ClinGen allele CA10042767.

ClinVar aggregate classification (germline): Uncertain significance (1 of 4 stars; one submission).

Allele frequency attached by ClinVar (database versions not stated): ExAC 0.00002; TOPMed 0.00001; gnomAD exomes 0.00002.

Submission:

Labcorp Genetics (formerly Invitae), Labcorp
Classification: Uncertain significance. Last evaluated: 2022-08-10. Review status: criteria provided, single submitter. Criteria: Invitae Variant Classification Sherloc (09022015). Collection method: clinical testing. Allele origin: germline.
Comment: This sequence change replaces aspartic acid, which is acidic and polar, with asparagine, which is neutral and polar, at codon 23 of the TMPRSS3 protein (p.Asp23Asn). This variant is present in population databases (rs770072040, gnomAD 0.01%). This variant has not been reported in the literature in individuals affected with TMPRSS3-related conditions. ClinVar contains an entry for this variant (Variation ID: 1505196). Advanced modeling of protein sequence and biophysical properties (such as structural, functional, and spatial information, amino acid conservation, physicochemical variation, residue mobility, and thermodynamic stability) performed at Invitae indicates that this missense variant is not expected to disrupt TMPRSS3 protein function. In summary, the available evidence is currently insufficient to determine the role of this variant in disease. Therefore, it has been classified as a Variant of Uncertain Significance.